The following is an entry in ClinVar:

NM_000138.5(FBN1):c.2323C>T (p.Leu775Phe)

Gene: FBN1 (fibrillin 1; minus strand). Cytogenetic location: 15q21.1.
Variant type: single nucleotide variant.
Coding change: c.2323C>T on transcript NM_000138.5 (MANE Select); coding-DNA position 2323, C replaced by T.
Protein change: p.Leu775Phe; replaces leucine 775 with phenylalanine.
Molecular consequence: missense variant.
Genome position (GRCh38, 1-based): chr15:48,496,196, G>A on the plus strand (C>T on the coding strand, the complement: FBN1 is on the minus strand). VCF-style: chr15-48496196-G-A. GRCh37 (hg19) VCF-style: chr15-48788393-G-A.
Other names: c.2323C>T, p.Leu775Phe (NM_001406716.1); short protein forms L775F.
Identifiers: ClinVar variation 2562535 (VCV002562535.9), dbSNP rs960849031, ClinGen allele CA269539231.

ClinVar aggregate classification (germline): Uncertain significance. Review status: criteria provided, multiple submitters, no conflicts (2 of 4 stars). 5 submissions from 5 submitters: Uncertain significance (5). Last evaluated 2024-11-25.

Conditions:
Familial thoracic aortic aneurysm and aortic dissection (TAAD). Also called: Thoracic aortic aneurysms and dissections. Identifiers: Orphanet 91387, MedGen C4707243, MONDO:0019625.
Marfan syndrome (MFS). Also called: MARFAN SYNDROME, TYPE I; FBN1-Related Marfan Syndrome; Marfan syndrome type 1; Marfan's syndrome; Marfan syndrome, classic. Identifiers: Orphanet 284963, Orphanet 558, MedGen C0024796, MONDO:0007947, OMIM 154700.

Allele frequency attached by ClinVar (database versions not stated): gnomAD 0.00001.
gnomAD v4.1: 1 of 1,613,642 alleles (0.000062%); highest among the groups gnomAD compares: Admixed American, 0.0017%; no homozygotes.

Submissions (5):

Labcorp Genetics (formerly Invitae), Labcorp
Classification: Uncertain significance for Marfan syndrome; Familial thoracic aortic aneurysm and aortic dissection. Last evaluated: 2024-11-25. Review status: criteria provided, single submitter. Criteria: Invitae Variant Classification Sherloc (09022015). Collection method: clinical testing. Allele origin: germline.
Comment: This sequence change replaces leucine, which is neutral and non-polar, with phenylalanine, which is neutral and non-polar, at codon 775 of the FBN1 protein (p.Leu775Phe). This variant is present in population databases (no rsID available, gnomAD no frequency). This variant has not been reported in the literature in individuals affected with FBN1-related conditions. ClinVar contains an entry for this variant (Variation ID: 2562535). Invitae Evidence Modeling of protein sequence and biophysical properties (such as structural, functional, and spatial information, amino acid conservation, physicochemical variation, residue mobility, and thermodynamic stability) indicates that this missense variant is expected to disrupt FBN1 protein function with a positive predictive value of 95%. In summary, the available evidence is currently insufficient to determine the role of this variant in disease. Therefore, it has been classified as a Variant of Uncertain Significance.

Color Diagnostics, LLC DBA Color Health
Classification: Uncertain significance for Familial thoracic aortic aneurysm and aortic dissection. Last evaluated: 2024-03-07. Review status: criteria provided, single submitter. Criteria: ACMG Guidelines, 2015. Collection method: clinical testing. Allele origin: germline.
Comment: This missense variant replaces leucine with phenylalanine at codon 775 of the FBN1 protein. Computational prediction is inconclusive regarding the impact of this variant on protein structure and function (internally defined REVEL score threshold 0.5 < inconclusive < 0.7, PMID: 27666373). To our knowledge, functional studies have not been reported for this variant. This variant has not been reported in individuals affected with cardiovascular disorders in the literature. This variant has not been identified in the general population by the Genome Aggregation Database (gnomAD). The available evidence is insufficient to determine the role of this variant in disease conclusively. Therefore, this variant is classified as a Variant of Uncertain Significance.

ARUP Laboratories, Molecular Genetics and Genomics, ARUP Laboratories
Classification: Uncertain significance. Last evaluated: 2023-10-10. Review status: criteria provided, single submitter. Criteria: ARUP Molecular Germline Variant Investigation Process 2024. Collection method: clinical testing. Allele origin: germline.
Comment: The FBN1 c.2323C>T; p.Leu775Phe variant (rs960849031), to our knowledge, is not reported in the medical literature or gene specific databases associated with disease. This variant is also absent from the Genome Aggregation Database, indicating it is not a common polymorphism. Computational analyses are uncertain whether this variant is neutral or deleterious (REVEL: 0.591). Due to limited information, the clinical significance of this variant is uncertain at this time.

Blueprint Genetics
Classification: Uncertain significance. Last evaluated: 2023-09-26. Review status: criteria provided, single submitter. Criteria: ACMG Guidelines, 2015. Collection method: clinical testing. Allele origin: germline.

Ambry Genetics
Classification: Uncertain significance for Familial thoracic aortic aneurysm and aortic dissection. Last evaluated: 2023-06-15. Review status: criteria provided, single submitter. Criteria: Ambry Variant Classification Scheme 2023. Collection method: clinical testing. Allele origin: germline.
Comment: The p.L775F variant (also known as c.2323C>T), located in coding exon 19 of the FBN1 gene, results from a C to T substitution at nucleotide position 2323. The leucine at codon 775 is replaced by phenylalanine, an amino acid with highly similar properties. This amino acid position is highly conserved in available vertebrate species. In addition, the in silico prediction for this alteration is inconclusive. Since supporting evidence is limited at this time, the clinical significance of this alteration remains unclear.